The following is an entry in ClinVar:

NM_017534.6(MYH2):c.3014del (p.Leu1005fs)

Genes: MYH2 (myosin heavy chain 2; minus strand), MYHAS (myosin heavy chain gene cluster antisense RNA; plus strand). Cytogenetic location: 17p13.1.
Variant type: Deletion.
Coding change: c.3014del on transcript NM_017534.6 (MANE Select); coding-DNA position 3014, one base deleted (T; older notation c.3014delT).
Protein change: p.Leu1005fs; shifts the reading frame from leucine 1005.
Molecular consequence: frameshift variant.
Genome position (GRCh38, 1-based): chr17:10,529,667, A deleted on the plus strand (T on the coding strand, the reverse complement: MYH2 is on the minus strand). VCF-style (leftmost placement, unchanged base first): chr17-10529666-GA-G. GRCh37 (hg19) VCF-style: chr17-10432983-GA-G.
Other names: c.3014del, p.Leu1005fs (NM_001100112.2); short protein forms L1005fs.
Identifiers: ClinVar variation 578108 (VCV000578108.6), dbSNP rs1567730339, ClinGen allele CA891843710.

ClinVar aggregate classification (germline): Pathogenic (1 of 4 stars; one submission).

Conditions:
Myopathy, proximal, and ophthalmoplegia (CMYO6). Also called: INCLUSION BODY MYOPATHY 3, AUTOSOMAL DOMINANT; MYOPATHY WITH CONGENITAL JOINT CONTRACTURES, OPHTHALMOPLEGIA, AND RIMMED VACUOLES; CONGENITAL MYOPATHY 6 WITH OPHTHALMOPLEGIA. Identifiers: Orphanet 363677, Orphanet 79091, MedGen C1854106, MONDO:0011577, OMIM 605637.

Submission:

Labcorp Genetics (formerly Invitae), Labcorp
Classification: Pathogenic for Myopathy, proximal, and ophthalmoplegia. Last evaluated: 2017-10-28. Review status: criteria provided, single submitter. Criteria: Invitae Variant Classification Sherloc (09022015). Collection method: clinical testing. Allele origin: germline.
Comment: This sequence change creates a premature translational stop signal (p.Leu1005Profs*22) in the MYH2 gene. It is expected to result in an absent or disrupted protein product. This variant is not present in population databases (ExAC no frequency). This variant has not been reported in the literature in individuals with MYH2-related disease. Loss-of-function variants in MYH2 are known to be pathogenic (PMID: 20418530, 23388406, 24193343). For these reasons, this variant has been classified as Pathogenic.

Literature cited by the submitters: PubMed 20418530; PubMed 23388406; PubMed 24193343.